The following is an entry in ClinVar:

ClinVar aggregate classification (germline): Uncertain significance. Review status: criteria provided, multiple submitters, no conflicts (2 of 4 stars). 2 submissions from 2 submitters: Uncertain significance (2). Last evaluated 2026-06-22.

Conditions:
X-linked Emery-Dreifuss muscular dystrophy. Also called: Muscular dystrophy, tardive Emery-Dreifuss type, with contractures. Identifiers: Orphanet 261, Orphanet 98863, MedGen C0751337, MONDO:0010680.
Cardiovascular phenotype. Identifiers: MedGen CN230736.

Allele frequency attached by ClinVar (database versions not stated): TOPMed below 0.00001.
gnomAD v4.1: 2 of 1,210,608 alleles (0.00017%); highest among the groups gnomAD compares: Non-Finnish European, 0.00011%; no homozygotes.

Submissions (2):

Ambry Genetics
Classification: Uncertain significance for Cardiovascular phenotype. Last evaluated: 2026-06-22. Review status: criteria provided, single submitter. Criteria: Ambry Variant Classification Scheme 2023. Collection method: clinical testing. Allele origin: germline.

Labcorp Genetics (formerly Invitae), Labcorp
Classification: Uncertain significance for X-linked Emery-Dreifuss muscular dystrophy. Last evaluated: 2022-02-19. Review status: criteria provided, single submitter. Criteria: Invitae Variant Classification Sherloc (09022015). Collection method: clinical testing. Allele origin: germline.
Comment: This sequence change replaces proline, which is neutral and non-polar, with arginine, which is basic and polar, at codon 224 of the EMD protein (p.Pro224Arg). This variant is not present in population databases (gnomAD no frequency). This variant has not been reported in the literature in individuals affected with EMD-related conditions. Algorithms developed to predict the effect of missense changes on protein structure and function are either unavailable or do not agree on the potential impact of this missense change (SIFT: "Deleterious"; PolyPhen-2: "Probably Damaging"; Align-GVGD: "Class C0"). Algorithms developed to predict the effect of sequence changes on RNA splicing suggest that this variant may create or strengthen a splice site. In summary, the available evidence is currently insufficient to determine the role of this variant in disease. Therefore, it has been classified as a Variant of Uncertain Significance.

NM_000117.3(EMD):c.671C>G (p.Pro224Arg)

Gene: EMD (emerin; plus strand). Cytogenetic location: Xq28.
Variant type: single nucleotide variant.
Coding change: c.671C>G on transcript NM_000117.3 (MANE Select); coding-DNA position 671, C replaced by G.
Protein change: p.Pro224Arg; replaces proline 224 with arginine.
Molecular consequence: missense variant.
Genome position (GRCh38, 1-based): chrX:154,381,103, C>G. VCF-style: chrX-154381103-C-G. GRCh37 (hg19) VCF-style: chrX-153609463-C-G.
Other names: short protein forms P224R.
Identifiers: ClinVar variation 1989105 (VCV001989105.4), dbSNP rs782559230, ClinGen allele CA415259184.
Genomic context (GRCh38, chrX:154,381,103, plus strand): 5'-GTGCCATCCGGCCTGAAAACCGTGCTCCTGGGGCTGGGCTGGGCCAGGATCGCCAGGTCC[C>G]GCTCTGGGGCCAGCTGCTGCTTTTCCTGGTCTTTGTGATCGTCCTCTTCTTCATTTACCA-3'
Protein context (NP_000108.1, residues 214-234): GAGLGQDRQV[Pro224Arg]LWGQLLLFLV